The following is an entry in ClinVar:

NM_017654.4(SAMD9):c.1171G>T (p.Gly391Ter)

Gene: SAMD9 (sterile alpha motif domain containing 9; minus strand). Cytogenetic location: 7q21.2.
Variant type: single nucleotide variant.
Coding change: c.1171G>T on transcript NM_017654.4 (MANE Select); coding-DNA position 1171, G replaced by T.
Protein change: p.Gly391Ter; replaces glycine 391 with a stop codon.
Molecular consequence: nonsense.
Genome position (GRCh38, 1-based): chr7:93,104,927, C>A on the plus strand (G>T on the coding strand, the complement: SAMD9 is on the minus strand). VCF-style: chr7-93104927-C-A. GRCh37 (hg19) VCF-style: chr7-92734240-C-A.
Other names: c.1171G>T, p.Gly391Ter (NM_001193307.2); short protein forms G391*.
Identifiers: ClinVar variation 1299393 (VCV001299393.4), dbSNP rs1470207548, ClinGen allele CA368201693.

ClinVar aggregate classification (germline): Conflicting classifications of pathogenicity. Review status: criteria provided, conflicting classifications (1 of 4 stars). 3 submissions from 3 submitters: Likely pathogenic (1); Uncertain significance (2). Last evaluated 2026-05-13.

Conditions:
Normophosphatemic familial tumoral calcinosis. Also called: CALCINOSIS, TUMORAL, WITH NORMOPHOSPHATEMIA. Identifiers: Orphanet 306658, Orphanet 53715, MedGen C1864861, MONDO:0012502, OMIM 610455.

Allele frequency attached by ClinVar (database versions not stated): gnomAD exomes 0.00001.

Submissions (3):

Myriad Genetics, Inc.
Classification: Uncertain significance for Normophosphatemic familial tumoral calcinosis. Last evaluated: 2026-05-13. Review status: criteria provided, single submitter. Criteria: Myriad Autosomal Dominant, Autosomal Recessive and X-Linked Classification Criteria (2023). Collection method: clinical testing. Allele origin: unknown.
Comment: NM_017654.3(SAMD9):c.1171G>T(G391*) is a nonsense variant classified as a variant of uncertain significance in the context of normophosphatemic familial tumoral calcinosis. G391* has not been observed in cases with relevant disease. Relevant functional assessments of this variant are not available in the literature. G391* has been observed in referenced population frequency databases. In summary, there is insufficient evidence to classify NM_017654.3(SAMD9):c.1171G>T(G391*) as pathogenic or benign. Please note: this variant was assessed in the context of healthy population screening.

Labcorp Genetics (formerly Invitae), Labcorp
Classification: Uncertain significance. Last evaluated: 2024-09-09. Review status: criteria provided, single submitter. Criteria: Invitae Variant Classification Sherloc (09022015). Collection method: clinical testing. Allele origin: germline.
Comment: This sequence change creates a premature translational stop signal (p.Gly391*) in the SAMD9 gene. While this is not anticipated to result in nonsense mediated decay, it is expected to disrupt the last 1199 amino acid(s) of the SAMD9 protein. This variant is present in population databases (no rsID available, gnomAD 0.003%). This variant has not been reported in the literature in individuals affected with SAMD9-related conditions. ClinVar contains an entry for this variant (Variation ID: 1299393). Experimental studies and prediction algorithms are not available or were not evaluated, and the functional significance of this variant is currently unknown. In summary, the available evidence is currently insufficient to determine the role of this variant in disease. Therefore, it has been classified as a Variant of Uncertain Significance.

Breda Genetics srl
Classification: Likely pathogenic for Normophosphatemic familial tumoral calcinosis. Last evaluated: 2021-04-28. Review status: criteria provided, single submitter. Criteria: ACMG Guidelines, 2015. Collection method: clinical testing. Allele origin: germline. Inheritance: Autosomal recessive inheritance. Affected: no. Observed: 1 variant allele, 1 heterozygote.
Comment: The variant c.1171G>T (p.Gly391*) in the SAMD9 gene creates a premature stop codon at amino acid position Gly91, which is likely to result in a truncated protein or protein loss due to nonsense-mediated messenger decay (NMD). The variant is reported with an estimated allele frequency of 0.000008051 in gnomAD exomes with no homozygous individuals reported.